The following is an entry in ClinVar:

ClinVar aggregate classification (germline): Uncertain significance. Review status: criteria provided, multiple submitters, no conflicts (2 of 4 stars). 2 submissions from 2 submitters: Uncertain significance (2). Last evaluated 2025-04-01.

Conditions:
Kleefstra syndrome 1 (KLEFS1). Identifiers: Orphanet 261494, MedGen C0795833, MONDO:0027407, OMIM 610253.

Submissions (2):

Labcorp Genetics (formerly Invitae), Labcorp
Classification: Uncertain significance for Kleefstra syndrome 1. Last evaluated: 2025-04-01. Review status: criteria provided, single submitter. Criteria: Invitae Variant Classification Sherloc (09022015). Collection method: clinical testing. Allele origin: germline.
Comment: This sequence change replaces serine, which is neutral and polar, with tryptophan, which is neutral and slightly polar, at codon 1266 of the EHMT1 protein (p.Ser1266Trp). This variant is not present in population databases (gnomAD no frequency). This variant has not been reported in the literature in individuals affected with EHMT1-related conditions. ClinVar contains an entry for this variant (Variation ID: 2682411). Invitae Evidence Modeling of protein sequence and biophysical properties (such as structural, functional, and spatial information, amino acid conservation, physicochemical variation, residue mobility, and thermodynamic stability) indicates that this missense variant is expected to disrupt EHMT1 protein function with a positive predictive value of 80%. In summary, the available evidence is currently insufficient to determine the role of this variant in disease. Therefore, it has been classified as a Variant of Uncertain Significance.

Women's Health and Genetics/Laboratory Corporation of America, LabCorp
Classification: Uncertain significance. Last evaluated: 2023-11-08. Review status: criteria provided, single submitter. Criteria: LabCorp Variant Classification Summary - May 2015. Collection method: clinical testing. Allele origin: germline.
Comment: Variant summary: EHMT1 c.3797C>G (p.Ser1266Trp) results in a non-conservative amino acid change located in the Histone-lysine N-methyltransferase EHMT1, SET domain (IPR038035) of the encoded protein sequence. Five of five in-silico tools predict a damaging effect of the variant on protein function. The variant was absent in 246260 control chromosomes. The available data on variant occurrences in the general population are insufficient to allow any conclusion about variant significance. To our knowledge, no occurrence of c.3797C>G in individuals affected with Kleefstra Syndrome 1 and no experimental evidence demonstrating its impact on protein function have been reported. No submitters have cited clinical-significance assessments for this variant to ClinVar after 2014. Based on the evidence outlined above, the variant was classified as uncertain significance.

NM_024757.5(EHMT1):c.3797C>G (p.Ser1266Trp)

Gene: EHMT1 (euchromatic histone lysine methyltransferase 1; plus strand). Cytogenetic location: 9q34.3.
Variant type: single nucleotide variant.
Coding change: c.3797C>G on transcript NM_024757.5 (MANE Select); coding-DNA position 3797, C replaced by G.
Protein change: p.Ser1266Trp; replaces serine 1266 with tryptophan.
Molecular consequence: missense variant.
Genome position (GRCh38, 1-based): chr9:137,834,853, C>G. VCF-style: chr9-137834853-C-G. GRCh37 (hg19) VCF-style: chr9-140729305-C-G.
Other names: c.3776C>G, p.Ser1259Trp (NM_001354263.2); short protein forms S1259W, S1266W.
Identifiers: ClinVar variation 2682411 (VCV002682411.4), dbSNP rs2539005982, ClinGen allele CA375783430.